The following is an entry in ClinVar:

ClinVar aggregate classification (germline): Uncertain significance (1 of 4 stars; one submission).

Conditions:
Charcot-Marie-Tooth disease type 4. Also called: Charcot-Marie-Tooth, Type 4; Charcot-Marie-Tooth disease, type IV. Identifiers: Orphanet 64749, MedGen C4082197, MONDO:0018995.

Allele frequency attached by ClinVar (database versions not stated): gnomAD 0.00001; gnomAD exomes 0.00001.
gnomAD v4.1: 2 of 1,614,104 alleles (0.00012%); highest among the groups gnomAD compares: East Asian, 0.0045%; no homozygotes.

Submission:

Labcorp Genetics (formerly Invitae), Labcorp
Classification: Uncertain significance for Charcot-Marie-Tooth disease type 4. Last evaluated: 2021-07-28. Review status: criteria provided, single submitter. Criteria: Invitae Variant Classification Sherloc (09022015). Collection method: clinical testing. Allele origin: germline.
Comment: In summary, the available evidence is currently insufficient to determine the role of this variant in disease. Therefore, it has been classified as a Variant of Uncertain Significance. Algorithms developed to predict the effect of missense changes on protein structure and function (SIFT, PolyPhen-2, Align-GVGD) all suggest that this variant is likely to be tolerated. This variant has not been reported in the literature in individuals affected with SBF2-related conditions. This variant is not present in population databases (ExAC no frequency). This sequence change replaces lysine with glutamic acid at codon 1375 of the SBF2 protein (p.Lys1375Glu). The lysine residue is highly conserved and there is a small physicochemical difference between lysine and glutamic acid.

NM_030962.4(SBF2):c.4123A>G (p.Lys1375Glu)

Gene: SBF2 (SET binding factor 2; minus strand). Cytogenetic location: 11p15.4.
Variant type: single nucleotide variant.
Coding change: c.4123A>G on transcript NM_030962.4 (MANE Select); coding-DNA position 4123, A replaced by G.
Protein change: p.Lys1375Glu; replaces lysine 1375 with glutamic acid.
Molecular consequence: missense variant.
Genome position (GRCh38, 1-based): chr11:9,812,564, T>C on the plus strand (A>G on the coding strand, the complement: SBF2 is on the minus strand). VCF-style: chr11-9812564-T-C. GRCh37 (hg19) VCF-style: chr11-9834111-T-C.
Other names: c.4219A>G, p.Lys1407Glu (NM_001386339.1); c.3994A>G, p.Lys1332Glu (NM_001386342.1); short protein forms K1332E, K1375E, K1407E.
Identifiers: ClinVar variation 1478548 (VCV001478548.6), dbSNP rs1217139040, ClinGen allele CA379643002.